The following is an entry in ClinVar:

NM_000094.4(COL7A1):c.4401+2T>A

Gene: COL7A1 (collagen type VII alpha 1 chain; minus strand). Cytogenetic location: 3p21.31.
Variant type: single nucleotide variant.
Coding change: c.4401+2T>A on transcript NM_000094.4 (MANE Select); the canonical splice donor site of the intron after coding-DNA position 4401, T replaced by A.
Molecular consequence: splice donor variant.
Genome position (GRCh38, 1-based): chr3:48,583,554, A>T on the plus strand (T>A on the coding strand, the complement: COL7A1 is on the minus strand). VCF-style: chr3-48583554-A-T. GRCh37 (hg19) VCF-style: chr3-48620987-A-T.
Identifiers: ClinVar variation 2088467 (VCV002088467.4), dbSNP rs2531147281, ClinGen allele CA352692289.

ClinVar aggregate classification (germline): Likely pathogenic (1 of 4 stars; one submission).

Submission:

Labcorp Genetics (formerly Invitae), Labcorp
Classification: Likely pathogenic. Last evaluated: 2022-01-21. Review status: criteria provided, single submitter. Criteria: Invitae Variant Classification Sherloc (09022015). Collection method: clinical testing. Allele origin: germline.
Comment: This sequence change affects a donor splice site in intron 40 of the COL7A1 gene. It is expected to disrupt RNA splicing. Variants that disrupt the donor or acceptor splice site typically lead to a loss of protein function (PMID: 16199547), and loss-of-function variants in COL7A1 are known to be pathogenic (PMID: 16971478). This variant is not present in population databases (gnomAD no frequency). This variant has not been reported in the literature in individuals affected with COL7A1-related conditions. Algorithms developed to predict the effect of sequence changes on RNA splicing suggest that this variant may disrupt the consensus splice site. In summary, the currently available evidence indicates that the variant is pathogenic, but additional data are needed to prove that conclusively. Therefore, this variant has been classified as Likely Pathogenic.

Literature cited by the submitters: PubMed 16199547; PubMed 16971478.